The following is an entry in ClinVar:

ClinVar aggregate classification (germline): Uncertain significance (1 of 4 stars; one submission).

Conditions:
Beckwith-Wiedemann syndrome (BWS). Also called: EMG SYNDROME; Exomphalos macroglossia gigantism syndrome. Identifiers: Orphanet 116, MedGen C0004903, MONDO:0007534, OMIM 130650.

Submission:

Labcorp Genetics (formerly Invitae), Labcorp
Classification: Uncertain significance for Beckwith-Wiedemann syndrome. Last evaluated: 2022-11-08. Review status: criteria provided, single submitter. Criteria: Invitae Variant Classification Sherloc (09022015). Collection method: clinical testing. Allele origin: germline.
Comment: In summary, the available evidence is currently insufficient to determine the role of this variant in disease. Therefore, it has been classified as a Variant of Uncertain Significance. Advanced modeling of protein sequence and biophysical properties (such as structural, functional, and spatial information, amino acid conservation, physicochemical variation, residue mobility, and thermodynamic stability) performed at Invitae indicates that this missense variant is not expected to disrupt CDKN1C protein function. ClinVar contains an entry for this variant (Variation ID: 577518). This variant has not been reported in the literature in individuals affected with CDKN1C-related conditions. This variant is not present in population databases (gnomAD no frequency). This sequence change replaces proline, which is neutral and non-polar, with leucine, which is neutral and non-polar, at codon 214 of the CDKN1C protein (p.Pro214Leu).

NM_001122630.2(CDKN1C):c.608C>T (p.Pro203Leu)

Gene: CDKN1C (cyclin dependent kinase inhibitor 1C; minus strand). Cytogenetic location: 11p15.4.
Variant type: single nucleotide variant.
Coding change: c.608C>T on transcript NM_001122630.2 (MANE Select); coding-DNA position 608, C replaced by T.
Protein change: p.Pro203Leu; replaces proline 203 with leucine.
Molecular consequence: missense variant. On other transcripts: intron variant (1).
Genome position (GRCh38, 1-based): chr11:2,884,849, G>A on the plus strand (C>T on the coding strand, the complement: CDKN1C is on the minus strand). VCF-style: chr11-2884849-G-A. GRCh37 (hg19) VCF-style: chr11-2906079-G-A.
Other names: c.641C>T, p.Pro214Leu (LRG_533t1, NM_000076.2, NM_001362474.2); c.608C>T, p.Pro203Leu (NM_001122631.2); c.255+353C>T (NM_001362475.2); short protein forms P214L, P203L.
Identifiers: ClinVar variation 577518 (VCV000577518.8), dbSNP rs1564929606, ClinGen allele CA379146141.